The following is an entry in ClinVar:

NM_016628.5(WAC):c.1878A>G (p.Ile626Met)

Gene: WAC (WW domain containing adaptor with coiled-coil; plus strand). Cytogenetic location: 10p12.1.
Variant type: single nucleotide variant.
Coding change: c.1878A>G on transcript NM_016628.5 (MANE Select); coding-DNA position 1878, A replaced by G.
Protein change: p.Ile626Met; replaces isoleucine 626 with methionine.
Molecular consequence: missense variant.
Genome position (GRCh38, 1-based): chr10:28,619,540, A>G. VCF-style: chr10-28619540-A-G. GRCh37 (hg19) VCF-style: chr10-28908469-A-G.
Other names: c.1743A>G, p.Ile581Met (NM_100264.3); c.1569A>G, p.Ile523Met (NM_100486.4); short protein forms I523M, I581M, I626M.
Identifiers: ClinVar variation 4866462 (VCV004866462.2).

ClinVar aggregate classification (germline): Uncertain significance. Review status: criteria provided, multiple submitters, no conflicts (2 of 4 stars). 2 submissions from 2 submitters: Uncertain significance (2). Last evaluated 2026-06-05.

Conditions:
WAC-related disorder. Also called: WAC-related condition.
Inborn genetic diseases. Identifiers: MedGen C0950123, MeSH D030342.

gnomAD v4.1: 3 of 1,574,030 alleles (0.00019%); highest among the groups gnomAD compares: Non-Finnish European, 0.00026%; no homozygotes.

Submissions (2):

PreventionGenetics, part of Exact Sciences
Classification: Uncertain significance for WAC-related condition. Last evaluated: 2026-06-05. Review status: criteria provided, single submitter. Criteria: ACMG Guidelines, 2015. Collection method: clinical testing. Allele origin: germline.
Comment: The WAC c.1878A>G variant is predicted to result in the amino acid substitution p.Ile626Met. To our knowledge, this variant has not been reported in the literature or in a large population database (gnomAD), indicating this variant is rare. At this time, the clinical significance of this variant is uncertain due to the absence of conclusive functional and genetic evidence.

Ambry Genetics
Classification: Uncertain significance for Inborn genetic diseases. Last evaluated: 2026-05-20. Review status: criteria provided, single submitter. Criteria: Ambry Variant Classification Scheme 2023. Collection method: clinical testing. Allele origin: germline.